The following is an entry in ClinVar:

ClinVar aggregate classification (germline): Conflicting classifications of pathogenicity. Review status: criteria provided, conflicting classifications (1 of 4 stars). 5 submissions from 5 submitters: Likely pathogenic (2); Uncertain significance (3). Last evaluated 2024-10-30.

Conditions:
Muscular dystrophy-dystroglycanopathy type B5 (MDDGB5). Also called: MUSCULAR DYSTROPHY, CONGENITAL, 1C; MUSCULAR DYSTROPHY, CONGENITAL, FKRP-RELATED; MUSCULAR DYSTROPHY-DYSTROGLYCANOPATHY (CONGENITAL WITH OR WITHOUT IMPAIRED INTELLECTUAL DEVELOPMENT), TYPE B, 5. Identifiers: MedGen C1847759, MONDO:0011688, OMIM 606612.
Muscular dystrophy-dystroglycanopathy (congenital with brain and eye anomalies), type A1 (MDDGA1). Also called: Hydrocephalus, agyria and retinal dysplasia; Hard +/- E syndrome; Warburg syndrome; Chemke syndrome; Pagon syndrome; Cerebroocular dysgenesis. Identifiers: Orphanet 588, Orphanet 899, MedGen C4284790, MONDO:0009364, OMIM 236670.
Muscular dystrophy-dystroglycanopathy (congenital with brain and eye anomalies), type A5. Also called: MUSCULAR DYSTROPHY-DYSTROGLYCANOPATHY (CONGENITAL WITH BRAIN AND EYE ANOMALIES), TYPE A, 5; WALKER-WARBURG SYNDROME OR MUSCLE-EYE-BRAIN DISEASE, FKRP-RELATED. Identifiers: Orphanet 588, Orphanet 899, MedGen C3150413, MONDO:0013157, OMIM 613153.
Autosomal recessive limb-girdle muscular dystrophy type 2I. Also called: MUSCULAR DYSTROPHY, LIMB-GIRDLE, TYPE 2I; MUSCULAR DYSTROPHY-DYSTROGLYCANOPATHY (LIMB-GIRDLE), TYPE C, 5; MUSCULAR DYSTROPHY-DYSTROGLYCANOPATHY, LIMB-GIRDLE, FRKP-RELATED. Identifiers: Orphanet 34515, MedGen C1846672, MONDO:0011787, OMIM 607155.
Walker-Warburg congenital muscular dystrophy. Also called: Muscular dystrophy-dystroglycanopathy, type A; Walker-Warburg syndrome. Identifiers: Orphanet 899, MedGen C0265221, MONDO:0000171.

Allele frequency attached by ClinVar (database versions not stated): gnomAD exomes below 0.00001.
gnomAD v4.1: 3 of 1,480,922 alleles (0.0002%); highest among the groups gnomAD compares: Non-Finnish European, 0.00027%; no homozygotes.

Submissions (5):

Labcorp Genetics (formerly Invitae), Labcorp
Classification: Uncertain significance for Walker-Warburg congenital muscular dystrophy. Last evaluated: 2024-10-30. Review status: criteria provided, single submitter. Criteria: Invitae Variant Classification Sherloc (09022015). Collection method: clinical testing. Allele origin: germline.
Comment: This sequence change replaces tryptophan, which is neutral and slightly polar, with cysteine, which is neutral and slightly polar, at codon 231 of the FKRP protein (p.Trp231Cys). This variant is not present in population databases (gnomAD no frequency). This missense change has been observed in individual(s) with congenital muscular dystrophy (PMID: 19299310, 28688748). ClinVar contains an entry for this variant (Variation ID: 1510930). Invitae Evidence Modeling of protein sequence and biophysical properties (such as structural, functional, and spatial information, amino acid conservation, physicochemical variation, residue mobility, and thermodynamic stability) indicates that this missense variant is expected to disrupt FKRP protein function with a positive predictive value of 80%. In summary, the available evidence is currently insufficient to determine the role of this variant in disease. Therefore, it has been classified as a Variant of Uncertain Significance.

Natera, Inc.
Classification: Likely pathogenic for Limb-girdle muscular dystrophy type 2I. Last evaluated: 2024-05-30. Review status: criteria provided, single submitter. Criteria: Natera Variant Classification Schema (03/2026). Collection method: clinical testing. Allele origin: germline.
Comment: The c.693G>C variant in FKRP is a missense variant predicted to cause substitution of tryptophan to cysteine at amino acid 231. This variant is rare in the general population with a frequency below the threshold expected for the associated phenotype(s). This variant has been observed in one or more individuals affected with the associated recessive disease, as either homozygous or compound heterozygous with a second variant (PMID: 28688748, 19299310). Given the available evidence, this variant is classified as Likely Pathogenic.

Revvity Omics, Revvity
Classification: Uncertain significance. Last evaluated: 2023-05-16. Review status: criteria provided, single submitter. Criteria: ACMG Guidelines, 2015. Collection method: clinical testing. Allele origin: germline.

Baylor Genetics
Classification: Likely pathogenic for Muscular dystrophy-dystroglycanopathy (congenital with brain and eye anomalies), type A5. Last evaluated: 2022-12-23. Review status: criteria provided, single submitter. Criteria: ACMG Guidelines, 2015. Collection method: clinical testing. Allele origin: unknown.

Fulgent Genetics
Classification: Uncertain significance for Muscular dystrophy-dystroglycanopathy (congenital with brain and eye anomalies), type A1; Muscular dystrophy-dystroglycanopathy type B5; Autosomal recessive limb-girdle muscular dystrophy type 2I; Muscular dystrophy-dystroglycanopathy (congenital with brain and eye anomalies), type A5. Last evaluated: 2021-08-13. Review status: criteria provided, single submitter. Criteria: ACMG Guidelines, 2015. Collection method: clinical testing. Allele origin: unknown.

Literature cited by the submitters: PubMed 19299310 (cited by Labcorp Genetics (formerly Invitae), Labcorp and Natera, Inc.); PubMed 28688748 (cited by Labcorp Genetics (formerly Invitae), Labcorp and Natera, Inc.).

NM_024301.5(FKRP):c.693G>C (p.Trp231Cys)

Gene: FKRP (fukutin related protein; plus strand). Cytogenetic location: 19q13.32.
Variant type: single nucleotide variant.
Coding change: c.693G>C on transcript NM_024301.5 (MANE Select); coding-DNA position 693, G replaced by C.
Protein change: p.Trp231Cys; replaces tryptophan 231 with cysteine.
Molecular consequence: missense variant.
Genome position (GRCh38, 1-based): chr19:46,756,143, G>C. VCF-style: chr19-46756143-G-C. GRCh37 (hg19) VCF-style: chr19-47259400-G-C.
Other names: c.693G>C, p.Trp231Cys (NM_001039885.3); c.693G>C (NM_024301.4); short protein forms W231C.
Identifiers: ClinVar variation 1510930 (VCV001510930.13), dbSNP rs2122621481, ClinGen allele CA406495822.
Genomic context (GRCh38, chr19:46,756,143, plus strand): 5'-GGCGCCCCTGGCCCGGCCGGTGGGCACCAGCCTCTTTCTGCAGACCGCCCTTCGCGGCTG[G>C]GCGGTGCAGCTGCTGGACTTGACCTTCGCCGCGGCGCGCCAGCCCCCGCTGGCCACGGCC-3'
Protein context (NP_077277.1, residues 221-241): SLFLQTALRG[Trp231Cys]AVQLLDLTFA